The following is an entry in ClinVar:

NM_005476.7(GNE):c.712del (p.Asp238fs)

Gene: GNE (glucosamine (UDP-N-acetyl)-2-epimerase/N-acetylmannosamine kinase; minus strand). Cytogenetic location: 9p13.3.
Variant type: Deletion.
Coding change: c.712del on transcript NM_005476.7 (MANE Select); coding-DNA position 712, one base deleted (G; older notation c.712delG).
Protein change: p.Asp238fs; shifts the reading frame from aspartic acid 238.
Molecular consequence: frameshift variant. On other transcripts: intron variant (2).
Genome position (GRCh38, 1-based): chr9:36,236,889, C deleted on the plus strand (G on the coding strand, the reverse complement: GNE is on the minus strand); the first of 2 consecutive C bases (chr9:36,236,889-36,236,890); deleting either gives the same sequence. VCF-style (leftmost placement, unchanged base first): chr9-36236888-TC-T. GRCh37 (hg19) VCF-style: chr9-36236885-TC-T.
Other names: c.617-2757del (NM_001374797.1); c.805del, p.Asp269fs (NM_001128227.3); c.712del, p.Asp238fs (NM_001190383.3); c.535del, p.Asp179fs (NM_001190388.2, NM_001374798.1); c.440-2757del (NM_001190384.3); short protein forms D179fs, D269fs, D238fs.
Identifiers: ClinVar variation 2925450 (VCV002925450.3), dbSNP rs2489733992, ClinGen allele CA2689947673.

ClinVar aggregate classification (germline): Pathogenic (1 of 4 stars; one submission).

Conditions:
GNE myopathy (NM). Also called: NONAKA DISTAL MYOPATHY; MYOPATHY, DISTAL, WITH OR WITHOUT RIMMED VACUOLES; INCLUSION BODY MYOPATHY, HEREDITARY, AUTOSOMAL RECESSIVE; INCLUSION BODY MYOPATHY 2, AUTOSOMAL RECESSIVE; IBM 2; Inclusion body myopathy autosomal recessive. Identifiers: Orphanet 602, MedGen C1853926, MONDO:0011603, OMIM 605820.
Sialuria. Also called: SIALURIA, FRENCH TYPE; Sialic Acid Storage Disease. Identifiers: Orphanet 3166, MedGen C0342853, MONDO:0010028, OMIM 269921.

Submission:

Labcorp Genetics (formerly Invitae), Labcorp
Classification: Pathogenic for Sialuria; GNE myopathy. Last evaluated: 2022-11-01. Review status: criteria provided, single submitter. Criteria: Invitae Variant Classification Sherloc (09022015). Collection method: clinical testing. Allele origin: germline.
Comment: For these reasons, this variant has been classified as Pathogenic. This premature translational stop signal has been observed in individual(s) with clinical features of autosomal recessive GNE-related conditions (PMID: 24695763). This variant is not present in population databases (gnomAD no frequency). This sequence change creates a premature translational stop signal (p.Asp269Metfs*11) in the GNE gene. It is expected to result in an absent or disrupted protein product. Loss-of-function variants in GNE are known to be pathogenic (PMID: 24027297).

Literature cited by the submitters: PubMed 24695763; PubMed 24027297.